The following is an entry in ClinVar:

ClinVar aggregate classification (germline): Conflicting classifications of pathogenicity. Review status: criteria provided, conflicting classifications (1 of 4 stars). 7 submissions from 7 submitters: Uncertain significance (5); Likely benign (2). Last evaluated 2026-01-31.

Conditions:
Colorectal cancer. Also called: Colorectal cancer, somatic; Malignant Colorectal Neoplasm. Identifiers: MedGen C0346629, MONDO:0005575, OMIM 114500.
Familial spontaneous pneumothorax (PSP). Identifiers: Orphanet 2903, MedGen C1868193, MONDO:0008259, OMIM 173600.
17p11.2 microduplication syndrome (PTLS). Also called: CHROMOSOME 17p11.2 DUPLICATION SYNDROME; Potocki-Lupski syndrome; Duplication 17p11.2 syndrome; Potocki-Lupski syndrome (dup(17)(p11.2p11.2)). Identifiers: Orphanet 1713, MedGen C2931246, MONDO:0012574, OMIM 610883.
Nonpapillary renal cell carcinoma. Identifiers: Orphanet 422526, MedGen CN074294, MONDO:0007763, OMIM 144700.
Birt-Hogg-Dube syndrome. Also called: Birt Hogg Dubé syndrome. Identifiers: Orphanet 122, MedGen C0346010, MONDO:0800444.
Hereditary cancer-predisposing syndrome. Also called: Neoplastic Syndromes, Hereditary; Hereditary neoplastic syndrome; Tumor predisposition; Hereditary Cancer Syndrome. Identifiers: Orphanet 140162, MedGen C0027672, MeSH D009386, MONDO:0015356.
Birt-Hogg-Dube syndrome 1 (BHD1). Also called: FIBROFOLLICULOMAS WITH TRICHODISCOMAS AND ACROCHORDONS. Identifiers: Orphanet 122, MedGen CN375946, MONDO:0800445, OMIM 135150.
FLCN-related disorder. Also called: FLCN-related condition.

Allele frequency attached by ClinVar (database versions not stated): ExAC 0.00001; gnomAD 0.00001; gnomAD exomes 0.00002; TOPMed 0.00002.
gnomAD v4.1: 51 of 1,614,040 alleles (0.0032%); highest among the groups gnomAD compares: Middle Eastern, 0.033%; no homozygotes.

Submissions (7):

Labcorp Genetics (formerly Invitae), Labcorp
Classification: Uncertain significance for Birt-Hogg-Dube syndrome. Last evaluated: 2026-01-31. Review status: criteria provided, single submitter. Criteria: Invitae Variant Classification Sherloc (09022015). Collection method: clinical testing. Allele origin: germline.
Comment: This sequence change replaces alanine, which is neutral and non-polar, with valine, which is neutral and non-polar, at codon 60 of the FLCN protein (p.Ala60Val). This variant is present in population databases (rs779900587, gnomAD 0.004%). This variant has not been reported in the literature in individuals affected with FLCN-related conditions. ClinVar contains an entry for this variant (Variation ID: 845359). Invitae Evidence Modeling of protein sequence and biophysical properties (such as structural, functional, and spatial information, amino acid conservation, physicochemical variation, residue mobility, and thermodynamic stability) indicates that this missense variant is not expected to disrupt FLCN protein function with a negative predictive value of 80%. In summary, the available evidence is currently insufficient to determine the role of this variant in disease. Therefore, it has been classified as a Variant of Uncertain Significance.

Quest Diagnostics Nichols Institute San Juan Capistrano
Classification: Uncertain significance. Last evaluated: 2025-03-21. Review status: criteria provided, single submitter. Criteria: Quest Diagnostics criteria. Collection method: clinical testing. Allele origin: unknown.
Comment: The FLCN c.179C>T (p.Ala60Val) variant has not been reported in individuals with FLCN-related conditions in the published literature. The frequency of this variant in the general population (Genome Aggregation Database) is uninformative in the assessment of its pathogenicity. Analysis of this variant using bioinformatics tools for the prediction of the effect of amino acid changes on protein structure and function yielded predictions that this variant is benign. Based on the available information, we are unable to determine the clinical significance of this variant.

Myriad Genetics, Inc.
Classification: Likely benign for Birt-Hogg-Dube syndrome 1. Last evaluated: 2024-10-22. Review status: criteria provided, single submitter. Criteria: Myriad Autosomal Dominant, Autosomal Recessive and X-Linked Classification Criteria (2023). Collection method: clinical testing. Allele origin: unknown.
Comment: This variant is considered likely benign. This variant has been observed at a population frequency that is significantly greater than expected given the associated disease prevalence and penetrance.

PreventionGenetics, part of Exact Sciences
Classification: Uncertain significance for FLCN-related condition. Last evaluated: 2023-08-03. Review status: criteria provided, single submitter. Criteria: ACMG Guidelines, 2015. Collection method: clinical testing. Allele origin: germline.
Comment: The FLCN c.179C>T variant is predicted to result in the amino acid substitution p.Ala60Val. To our knowledge, this variant has not been reported in the literature. This variant is reported in 0.0044% of alleles in individuals of European (Non-Finnish) descent in gnomAD. It has conflicting interpretations of likely benign and uncertain significance in ClinVar. At this time, the clinical significance of this variant is uncertain due to the absence of conclusive functional and genetic evidence.

GeneDx
Classification: Uncertain significance. Last evaluated: 2023-04-03. Review status: criteria provided, single submitter. Criteria: GeneDx Variant Classification Process June 2021. Collection method: clinical testing. Allele origin: germline. Affected: yes.
Comment: Not observed at significant frequency in large population cohorts (gnomAD); In silico analysis supports that this missense variant does not alter protein structure/function; Has not been previously published as pathogenic or benign to our knowledge; This variant is associated with the following publications: (PMID: 27397505)

Ambry Genetics
Classification: Likely benign for Hereditary cancer-predisposing syndrome. Last evaluated: 2022-03-23. Review status: criteria provided, single submitter. Criteria: Ambry Variant Classification Scheme 2023. Collection method: clinical testing. Allele origin: germline.

Fulgent Genetics
Classification: Uncertain significance for Colorectal cancer; Birt-Hogg-Dube syndrome 1; Nonpapillary renal cell carcinoma; Familial spontaneous pneumothorax; 17p11.2 microduplication syndrome. Last evaluated: 2021-08-10. Review status: criteria provided, single submitter. Criteria: ACMG Guidelines, 2015. Collection method: clinical testing. Allele origin: unknown.

NM_144997.7(FLCN):c.179C>T (p.Ala60Val)

Gene: FLCN (folliculin; minus strand). Cytogenetic location: 17p11.2.
Variant type: single nucleotide variant.
Coding change: c.179C>T on transcript NM_144997.7 (MANE Select); coding-DNA position 179, C replaced by T.
Protein change: p.Ala60Val; replaces alanine 60 with valine.
Molecular consequence: missense variant.
Genome position (GRCh38, 1-based): chr17:17,227,959, G>A on the plus strand (C>T on the coding strand, the complement: FLCN is on the minus strand). VCF-style: chr17-17227959-G-A. GRCh37 (hg19) VCF-style: chr17-17131273-G-A.
Other names: c.179C>T, p.Ala60Val (NM_001353229.2, NM_001353230.2, NM_001353231.2 and 1 more transcripts); c.179C>T (NM_144997.6); short protein forms A60V.
Identifiers: ClinVar variation 845359 (VCV000845359.13), dbSNP rs779900587, ClinGen allele CA8416505.